The following is an entry in ClinVar:

NM_012431.3(SEMA3E):c.1639T>G (p.Tyr547Asp)

Gene: SEMA3E (semaphorin 3E; minus strand). Cytogenetic location: 7q21.11.
Variant type: single nucleotide variant.
Coding change: c.1639T>G on transcript NM_012431.3 (MANE Select); coding-DNA position 1639, T replaced by G.
Protein change: p.Tyr547Asp; replaces tyrosine 547 with aspartic acid.
Molecular consequence: missense variant.
Genome position (GRCh38, 1-based): chr7:83,392,583, A>C on the plus strand (T>G on the coding strand, the complement: SEMA3E is on the minus strand). VCF-style: chr7-83392583-A-C. GRCh37 (hg19) VCF-style: chr7-83021899-A-C.
Other names: c.1459T>G, p.Tyr487Asp (NM_001178129.2); short protein forms Y487D, Y547D.
Identifiers: ClinVar variation 3777043 (VCV003777043.1), dbSNP rs1268026769.
Genomic context (GRCh38, chr7:83,392,583, plus strand): 5'-AGGGAAATAGTTAATCAGGTAGCACGTCTCACCTTTTTGCATGTGTGCCTGTTGGGTAAT[A>C]CCGGGAGCAGGATATGCCATCCCAGGCACAGTAAGGGTCTCGAGCCAGGCAGCAGTCAGC-3'
Protein context (NP_036563.1, residues 537-557): CAWDGISCSR[Tyr547Asp]YPTGTHAKRR

ClinVar aggregate classification (germline): Uncertain significance (1 of 4 stars; one submission).

Conditions:
Inflammatory bowel disease. Identifiers: Orphanet 104012, MedGen C0021390, MONDO:0005265.

gnomAD v4.1: 3 of 1,613,590 alleles (0.00019%); highest among the groups gnomAD compares: Non-Finnish European, 0.00025%; no homozygotes.

Submission:

Center for Precision Genome Editing and Genetic Technologies for Biomedicine, Pirogov Russian National Research Medical University
Classification: Uncertain significance for Inflammatory bowel disease. Last evaluated: 2023-08-03. Review status: criteria provided, single submitter. Criteria: ACMG Guidelines, 2015. Collection method: clinical testing. Allele origin: unknown. Inheritance: Autosomal dominant inheritance. Affected: yes. Observed: 1 heterozygote.
Comment: SEMA3E(NM_012431.3):c.1639T>G, (p.Tyr547Asp). This is a missense variant that results in an amino acid substitution. It has been observed in gnomAD with a frequency of 0.000001859, fulfilling the PM2 criterion. Pathogenicity prediction programs BayesDel addAF and BayesDel noAF classify this variant as pathogenic, supporting the PP3 criterion. Based on the applied ACMG/AMP criteria (PM2, PP3), this variant is classified as a Variant of Uncertain Significance (VUS).